The following is an entry in ClinVar:

ClinVar aggregate classification (germline): Conflicting classifications of pathogenicity. Review status: criteria provided, conflicting classifications (1 of 4 stars). 4 submissions from 4 submitters: Likely pathogenic (3); Uncertain significance (1). Last evaluated 2026-06-16.

Conditions:
Common craniosynostosis syndromes.
Lambdoidal craniosynostosis. Identifiers: MedGen C1833340, HP:0004443.

Allele frequency attached by ClinVar (database versions not stated): gnomAD 0.00001.

Submissions (4):

Genetics Laboratory, Great Ormond Street Hospital NHS Foundation Trust, North Thames Genomic Laboratory Hub
Classification: Likely pathogenic for Common craniosynostosis syndromes. Last evaluated: 2026-06-16. Review status: criteria provided, single submitter. Criteria: ACGS Best Practice Guidelines for Variant Classification in Rare Disease 2024 v1.2. Collection method: clinical testing. Allele origin: germline. Affected: yes.
Comment: PS4_moderate, PM2_moderate, PP3_supporting, PP1_strong

GeneDx
Classification: Likely pathogenic. Last evaluated: 2025-04-21. Review status: criteria provided, single submitter. Criteria: GeneDx Variant Classification Process June 2021. Collection method: clinical testing. Allele origin: germline. Affected: yes.
Comment: Not observed at significant frequency in large population cohorts (gnomAD); In silico analysis supports that this missense variant has a deleterious effect on protein structure/function; This variant is associated with the following publications: (PMID: 30976282, 30758909)

Department of Genetics, Rouen University Hospital, Normandy Center for Genomic and Personalized Medicine
Classification: Likely pathogenic for Craniosynostosis 4. Last evaluated: 2022-08-03. Review status: criteria provided, single submitter. Criteria: ACMG Guidelines, 2015. Collection method: clinical testing. Allele origin: maternal. Affected: yes.

Genetic Services Laboratory, University of Chicago
Classification: Uncertain significance. Last evaluated: 2017-02-02. Review status: criteria provided, single submitter. Criteria: ACMG Guidelines, 2015. Collection method: clinical testing. Allele origin: germline. Affected: no.

NM_006494.4(ERF):c.247C>T (p.Arg83Trp)

Gene: ERF (ETS2 repressor factor; minus strand). Cytogenetic location: 19q13.2.
Variant type: single nucleotide variant.
Coding change: c.247C>T on transcript NM_006494.4 (MANE Select); coding-DNA position 247, C replaced by T.
Protein change: p.Arg83Trp; replaces arginine 83 with tryptophan.
Molecular consequence: missense variant.
Genome position (GRCh38, 1-based): chr19:42,250,341, G>A on the plus strand (C>T on the coding strand, the complement: ERF is on the minus strand). VCF-style: chr19-42250341-G-A. GRCh37 (hg19) VCF-style: chr19-42754493-G-A.
Other names: c.22C>T, p.Arg8Trp (NM_001301035.2, NM_001308402.2, NM_001312656.2); short protein forms R83W, R8W.
Identifiers: ClinVar variation 435085 (VCV000435085.15), dbSNP rs766762597, ClinGen allele CA406114810.